The following is an entry in ClinVar:

NM_003803.4(MYOM1):c.1729G>A (p.Gly577Ser)

Gene: MYOM1 (myomesin 1; minus strand). Cytogenetic location: 18p11.31.
Variant type: single nucleotide variant.
Coding change: c.1729G>A on transcript NM_003803.4 (MANE Select); coding-DNA position 1729, G replaced by A.
Protein change: p.Gly577Ser; replaces glycine 577 with serine.
Molecular consequence: missense variant.
Genome position (GRCh38, 1-based): chr18:3,151,808, C>T on the plus strand (G>A on the coding strand, the complement: MYOM1 is on the minus strand). VCF-style: chr18-3151808-C-T. GRCh37 (hg19) VCF-style: chr18-3151806-C-T.
Other names: c.1729G>A, p.Gly577Ser (NM_019856.2); short protein forms G577S.
Identifiers: ClinVar variation 3401840 (VCV003401840.1).

ClinVar aggregate classification (germline): Uncertain significance (1 of 4 stars; one submission).

Submission:

Ambry Genetics
Classification: Uncertain significance. Last evaluated: 2024-06-28. Review status: criteria provided, single submitter. Criteria: Ambry Variant Classification Scheme 2023. Collection method: clinical testing. Allele origin: germline.
Comment: The p.G577S variant (also known as c.1729G>A), located in coding exon 11 of the MYOM1 gene, results from a G to A substitution at nucleotide position 1729. The glycine at codon 577 is replaced by serine, an amino acid with similar properties. This amino acid position is conserved. In addition, the in silico prediction for this alteration is inconclusive. Based on the available evidence, the clinical significance of this variant remains unclear.